The following is an entry in ClinVar:

ClinVar aggregate classification (germline): Benign (0 of 4 stars; one submission).

Conditions:
CLASP1-related disorder. Also called: CLASP1-related condition.

Allele frequency attached by ClinVar (database versions not stated): gnomAD exomes 0.09010; ExAC 0.13806; gnomAD 0.20322; ESP Exome Variant Server 0.20388; TOPMed 0.22347; 1000 Genomes Project 0.25499; 1000 Genomes Project 30x 0.26327.
gnomAD v4.1: 163,123 of 1,603,782 alleles (10%); highest among the groups gnomAD compares: African/African-American, 51%; 15,925 homozygotes.

Submission:

PreventionGenetics, part of Exact Sciences
Classification: Benign for CLASP1-related condition. Last evaluated: 2019-10-22. Review status: no assertion criteria provided. Collection method: clinical testing. Allele origin: germline.
Comment: This variant is classified as benign based on ACMG/AMP sequence variant interpretation guidelines (Richards et al. 2015 PMID: 25741868, with internal and published modifications).

NM_001395891.1(CLASP1):c.1311T>C (p.Ile437=)

Gene: CLASP1 (cytoplasmic linker associated protein 1; minus strand). Cytogenetic location: 2q14.2.
Variant type: single nucleotide variant.
Coding change: c.1311T>C on transcript NM_001395891.1 (MANE Select); coding-DNA position 1311, T replaced by C.
Protein change: p.Ile437=; no amino-acid change (isoleucine 437 retained).
Molecular consequence: synonymous variant.
Genome position (GRCh38, 1-based): chr2:121,458,843, A>G on the plus strand (T>C on the coding strand, the complement: CLASP1 is on the minus strand). VCF-style: chr2-121458843-A-G. GRCh37 (hg19) VCF-style: chr2-122216419-A-G.
Other names: c.1311T>C, p.Ile437= (NM_001142273.2, NM_001142274.2, NM_001207051.2 and 4 more transcripts).
Identifiers: ClinVar variation 3059617 (VCV003059617.2), dbSNP rs2304560, ClinGen allele CA1854311.